The following is an entry in ClinVar:

NM_020987.5(ANK3):c.12900A>G (p.Leu4300=)

Gene: ANK3 (ankyrin 3; minus strand). Cytogenetic location: 10q21.2.
Variant type: single nucleotide variant.
Coding change: c.12900A>G on transcript NM_020987.5 (MANE Select); coding-DNA position 12900, A replaced by G.
Protein change: p.Leu4300=; no amino-acid change (leucine 4300 retained).
Molecular consequence: synonymous variant.
Genome position (GRCh38, 1-based): chr10:60,055,823, T>C on the plus strand (A>G on the coding strand, the complement: ANK3 is on the minus strand). VCF-style: chr10-60055823-T-C. GRCh37 (hg19) VCF-style: chr10-61815581-T-C.
Other names: c.2772A>G, p.Leu924= (NM_001149.4); c.5352A>G, p.Leu1784= (NM_001204403.2); c.5373A>G, p.Leu1791= (NM_001204404.2); c.5370A>G, p.Leu1790= (NM_001320874.2).
Identifiers: ClinVar variation 4978789 (VCV004978789.1).

ClinVar aggregate classification (germline): Likely benign (1 of 4 stars; one submission).

Conditions:
ANK3-related disorder. Also called: ANK3-related condition.

gnomAD v4.1: 5 of 1,614,094 alleles (0.00031%); highest among the groups gnomAD compares: African/African-American, 0.0053%; no homozygotes.

Submission:

PreventionGenetics, part of Exact Sciences
Classification: Likely benign for ANK3-related condition. Last evaluated: 2026-05-25. Review status: criteria provided, single submitter. Criteria: ACMG Guidelines, 2015. Collection method: clinical testing. Allele origin: germline.
Comment: This variant is classified as likely benign based on ACMG/AMP sequence variant interpretation guidelines (Richards et al. 2015 PMID: 25741868, with internal and published modifications).